The following is an entry in ClinVar:

ClinVar aggregate classification (germline): Uncertain significance (1 of 4 stars; one submission).

gnomAD v4.1: 10 of 1,613,420 alleles (0.00062%); highest among the groups gnomAD compares: African/African-American, 0.004%; no homozygotes.

Submission:

Labcorp Genetics (formerly Invitae), Labcorp
Classification: Uncertain significance. Last evaluated: 2024-08-08. Review status: criteria provided, single submitter. Criteria: Invitae Variant Classification Sherloc (09022015). Collection method: clinical testing. Allele origin: germline.
Comment: This sequence change replaces isoleucine, which is neutral and non-polar, with threonine, which is neutral and polar, at codon 877 of the CARMIL2 protein (p.Ile877Thr). This variant is present in population databases (no rsID available, gnomAD 0.004%). This variant has not been reported in the literature in individuals affected with CARMIL2-related conditions. Advanced modeling of protein sequence and biophysical properties (such as structural, functional, and spatial information, amino acid conservation, physicochemical variation, residue mobility, and thermodynamic stability) performed at Invitae indicates that this missense variant is not expected to disrupt CARMIL2 protein function with a negative predictive value of 80%. In summary, the available evidence is currently insufficient to determine the role of this variant in disease. Therefore, it has been classified as a Variant of Uncertain Significance.

NM_001013838.3(CARMIL2):c.2630T>C (p.Ile877Thr)

Gene: CARMIL2 (capping protein regulator and myosin 1 linker 2; plus strand). Cytogenetic location: 16q22.1.
Variant type: single nucleotide variant.
Coding change: c.2630T>C on transcript NM_001013838.3 (MANE Select); coding-DNA position 2630, T replaced by C.
Protein change: p.Ile877Thr; replaces isoleucine 877 with threonine.
Molecular consequence: missense variant.
Genome position (GRCh38, 1-based): chr16:67,651,962, T>C. VCF-style: chr16-67651962-T-C. GRCh37 (hg19) VCF-style: chr16-67685865-T-C.
Other names: c.2522T>C, p.Ile841Thr (NM_001317026.3); short protein forms I841T, I877T.
Identifiers: ClinVar variation 3611015 (VCV003611015.1).